The following is an entry in ClinVar:

NM_005051.3(QARS1):c.451+19G>A

Gene: QARS1 (glutaminyl-tRNA synthetase 1; minus strand). Cytogenetic location: 3p21.31.
Variant type: single nucleotide variant.
Coding change: c.451+19G>A on transcript NM_005051.3 (MANE Select); 19 bases into the intron after coding-DNA position 451, G replaced by A.
Molecular consequence: intron variant.
Genome position (GRCh38, 1-based): chr3:49,103,612, C>T on the plus strand (G>A on the coding strand, the complement: QARS1 is on the minus strand). VCF-style: chr3-49103612-C-T. GRCh37 (hg19) VCF-style: chr3-49141045-C-T.
Other names: c.418+19G>A (NM_001272073.2).
Identifiers: ClinVar variation 383304 (VCV000383304.10), dbSNP rs369141824, ClinGen allele CA2392166.

ClinVar aggregate classification (germline): Likely benign. Review status: criteria provided, multiple submitters, no conflicts (2 of 4 stars). 3 submissions from 3 submitters: Likely benign (3). Last evaluated 2025-12-15.

Conditions:
Diffuse cerebral and cerebellar atrophy - intractable seizures - progressive microcephaly syndrome. Also called: Microcephaly, progressive, with seizures and cerebral and cerebellar atrophy. Identifiers: Orphanet 404437, MedGen C4014239, MONDO:0014335, OMIM 615760.

Allele frequency attached by ClinVar (database versions not stated): ESP Exome Variant Server 0.00015; TOPMed 0.00017; 1000 Genomes Project 0.00020; gnomAD 0.00021 and 0.00023; gnomAD exomes 0.00028 and 0.00039; 1000 Genomes Project 30x 0.00031; ExAC 0.00033.
gnomAD v4.1: 601 of 1,611,070 alleles (0.037%); highest among the groups gnomAD compares: Non-Finnish European, 0.045%; 1 homozygote.

Submissions (3):

Labcorp Genetics (formerly Invitae), Labcorp
Classification: Likely benign for Diffuse cerebral and cerebellar atrophy - intractable seizures - progressive microcephaly syndrome. Last evaluated: 2025-12-15. Review status: criteria provided, single submitter. Criteria: Invitae Variant Classification Sherloc (09022015). Collection method: clinical testing. Allele origin: germline.

Blueprint Genetics
Classification: Likely benign. Last evaluated: 2024-09-19. Review status: criteria provided, single submitter. Criteria: ACMG Guidelines, 2015. Collection method: clinical testing. Allele origin: germline.

GeneDx
Classification: Likely benign. Last evaluated: 2017-07-19. Review status: criteria provided, single submitter. Criteria: GeneDx Variant Classification (06012015). Collection method: clinical testing. Allele origin: germline. Affected: yes.
Comment: This variant is considered likely benign or benign based on one or more of the following criteria: it is a conservative change, it occurs at a poorly conserved position in the protein, it is predicted to be benign by multiple in silico algorithms, and/or has population frequency not consistent with disease.